The following is an entry in ClinVar:

ClinVar aggregate classification (germline): Likely pathogenic (1 of 4 stars; one submission).

Conditions:
Progressive muscular dystrophy. Identifiers: Orphanet 206644, MedGen C4551827, MONDO:0016106.

Submission:

Myriad Genetics, Inc.
Classification: Likely pathogenic for Progressive muscular dystrophy. Last evaluated: 2019-02-19. Review status: criteria provided, single submitter. Criteria: Myriad Autosomal Dominant, Autosomal Recessive and X-Linked Classification Criteria (2023). Collection method: clinical testing. Allele origin: unknown.
Comment: NM_004006.2(DMD):c.10807G>T(E3603*) is expected to be pathogenic in the context of dystrophinopathy (including Duchenne/Becker muscular dystrophy). This variant is predicted to lead to an abnormal or absent protein product due to the creation of a premature termination codon in DMD, a gene where loss-of-function variants are known to be pathogenic. Please note: this variant was assessed in the context of healthy population screening.

NM_004006.3(DMD):c.10807G>T (p.Glu3603Ter)

Gene: DMD (dystrophin; minus strand). Cytogenetic location: Xp21.2.
Variant type: single nucleotide variant.
Coding change: c.10807G>T on transcript NM_004006.3 (MANE Select); coding-DNA position 10807, G replaced by T.
Protein change: p.Glu3603Ter; replaces glutamic acid 3603 with a stop codon.
Molecular consequence: nonsense.
Genome position (GRCh38, 1-based): chrX:31,146,405, C>A on the plus strand (G>T on the coding strand, the complement: DMD is on the minus strand). VCF-style: chrX-31146405-C-A. GRCh37 (hg19) VCF-style: chrX-31164522-C-A.
Other names: c.1564G>T, p.Glu522Ter (NM_004017.3, NM_004018.3); c.3097G>T, p.Glu1033Ter (NM_004020.4, NM_004023.3); c.3427G>T, p.Glu1143Ter (NM_004021.3, NM_004013.3); c.3388G>T, p.Glu1130Ter (NM_004022.3); c.10783G>T, p.Glu3595Ter (NM_000109.4); c.10795G>T, p.Glu3599Ter (NM_004009.3); c.10438G>T, p.Glu3480Ter (NM_004010.3); c.6784G>T, p.Glu2262Ter (NM_004011.4); and 3 more; short protein forms E1033*, E1130*, E1143*, E2259*, E2262*, E3480*, E3595*, E3599*.
Identifiers: ClinVar variation 984094 (VCV000984094.4), dbSNP rs754333675, ClinGen allele CA412648946.